The following is an entry in ClinVar:

ClinVar aggregate classification (germline): Likely benign (1 of 4 stars; one submission).

Allele frequency attached by ClinVar (database versions not stated): ExAC 0.00003; gnomAD 0.00003; TOPMed 0.00004; ESP Exome Variant Server 0.00009; 1000 Genomes Project 30x 0.00016; 1000 Genomes Project 0.00020.
gnomAD v4.1: 63 of 1,608,108 alleles (0.0039%); highest among the groups gnomAD compares: Middle Eastern, 0.017%; no homozygotes.

Submission:

CeGaT Center for Human Genetics Tuebingen
Classification: Likely benign. Last evaluated: 2022-07-01. Review status: criteria provided, single submitter. Criteria: CeGaT Center For Human Genetics Tuebingen Variant Classification Criteria Version 2. Collection method: clinical testing. Allele origin: germline. Affected: yes. Observed: 1 variant allele.
Comment: SELENOI: BP4, BP7

NM_033505.4(SELENOI):c.147G>A (p.Ala49=)

Gene: SELENOI (selenoprotein I; plus strand). Cytogenetic location: 2p23.3.
Variant type: single nucleotide variant.
Coding change: c.147G>A on transcript NM_033505.4 (MANE Select); coding-DNA position 147, G replaced by A.
Protein change: p.Ala49=; no amino-acid change (alanine 49 retained).
Molecular consequence: synonymous variant. On other transcripts: non-coding transcript variant (1).
Genome position (GRCh38, 1-based): chr2:26,364,852, G>A. VCF-style: chr2-26364852-G-A. GRCh37 (hg19) VCF-style: chr2-26587720-G-A.
Identifiers: ClinVar variation 2650746 (VCV002650746.24), dbSNP rs372437710, ClinGen allele CA1561472.
Genomic context (GRCh38, chr2:26,364,852, plus strand): 5'-CCTCTACTTTAATTATTTTATAATTATTTTGCAAAAATAGGTATTTCCTACTTGGCTGGC[G>A]CCCAATCTGATAACTTTTTCTGGCTTTCTGCTGGTCGTATTCAATTTTCTGCTAATGGCA-3'
Protein context (NP_277040.1, residues 39-59): TIVKVFPTWL[Ala49=]PNLITFSGFL